The following is an entry in ClinVar:

ClinVar aggregate classification (germline): Conflicting classifications of pathogenicity. Review status: criteria provided, conflicting classifications (1 of 4 stars). 8 submissions from 8 submitters: Uncertain significance (2); Likely benign (6). Last evaluated 2026-08-01.

Conditions:
Catecholaminergic polymorphic ventricular tachycardia (CVPT). Also called: Catecholamine-induced polymorphic ventricular tachycardia. Identifiers: Orphanet 3286, MedGen C5574922, MONDO:0017990.
Catecholaminergic polymorphic ventricular tachycardia 1. Also called: RYR2-Related Catecholaminergic Polymorphic Ventricular Tachycardia; VENTRICULAR TACHYCARDIA, STRESS-INDUCED POLYMORPHIC 1; VENTRICULAR TACHYCARDIA, CATECHOLAMINERGIC POLYMORPHIC, 1, WITH OR WITHOUT ATRIAL DYSFUNCTION AND/OR DILATED CARDIOMYOPATHY. Identifiers: Orphanet 3286, MedGen C1631597, MONDO:0011484, OMIM 604772.
Cardiovascular phenotype. Identifiers: MedGen CN230736.
Cardiomyopathy (CMYO). Also called: Cardiomyopathies. Identifiers: Orphanet 167848, MedGen C0878544, MONDO:0004994, HP:0001638. Inheritance: Various modes of inheritance.

Allele frequency attached by ClinVar (database versions not stated): gnomAD 0.00002 and 0.00003; TOPMed 0.00019; ExAC 0.00035; gnomAD exomes 0.00041.
gnomAD v4.1: 124 of 1,613,566 alleles (0.0077%); highest among the groups gnomAD compares: Admixed American, 0.21%; 1 homozygote.

Submissions (8):

CeGaT Center for Human Genetics Tuebingen
Classification: Likely benign. Last evaluated: 2026-08-01. Review status: criteria provided, single submitter. Criteria: CeGaT Center For Human Genetics Tuebingen Variant Classification Criteria Version 2. Collection method: clinical testing. Allele origin: germline. Affected: yes. Observed: 6 variant alleles.
Comment: RYR2: BS1

Women's Health and Genetics/Laboratory Corporation of America, LabCorp
Classification: Likely benign. Last evaluated: 2026-03-18. Review status: criteria provided, single submitter. Criteria: LabCorp Variant Classification Summary - May 2015. Collection method: clinical testing. Allele origin: germline.
Comment: Variant summary: RYR2 c.1022G>C (p.Gly341Ala) results in a non-conservative amino acid change in the encoded protein sequence. Algorithms developed to predict the effect of missense changes on protein structure and function all suggest that this variant is likely to be disruptive. The variant allele was found at a frequency of 0.00041 in 248946 control chromosomes, predominantly at a frequency of 0.0029 within the Latino subpopulation in the gnomAD database. The observed variant frequency within Latino control individuals in the gnomAD database exceeds the estimated maximal expected allele frequency for disease-causing variants in RYR2. c.1022G>C has been reported in the literature, without strong evidence for causality (Landstrom_2018). These report(s) do not provide unequivocal conclusions about association of the variant with Arrhythmia. To our knowledge, no experimental evidence demonstrating an impact on protein function has been reported. The following publication has been ascertained in the context of this evaluation (PMID: 28404607). ClinVar contains an entry for this variant (Variation ID: 412819). Based on the evidence outlined above, the variant was classified as likely benign.

Labcorp Genetics (formerly Invitae), Labcorp
Classification: Likely benign for Catecholaminergic polymorphic ventricular tachycardia 1. Last evaluated: 2025-12-14. Review status: criteria provided, single submitter. Criteria: Invitae Variant Classification Sherloc (09022015). Collection method: clinical testing. Allele origin: germline.

Molecular Diagnostic Laboratory for Inherited Cardiovascular Disease, Montreal Heart Institute
Classification: Uncertain significance for Cardiovascular phenotype. Last evaluated: 2025-04-09. Review status: criteria provided, single submitter. Criteria: ACMG Guidelines, 2015. Collection method: clinical testing. Allele origin: germline. Affected: yes.

All of Us Research Program, National Institutes of Health
Classification: Likely benign for Catecholaminergic polymorphic ventricular tachycardia. Last evaluated: 2024-09-17. Review status: criteria provided, single submitter. Criteria: ACMG Guidelines, 2015. Collection method: clinical testing. Allele origin: germline. Inheritance: Autosomal dominant inheritance. Observed: 47 variant alleles, 47 heterozygotes.
Comment: This study involves interpretation of variants in research participants for the purpose of population health screening. Participant phenotype was not available at the time of variant classification. Additional details can be found in publication PMID: 35346344, PMCID: PMC8962531

Color Diagnostics, LLC DBA Color Health
Classification: Likely benign for Cardiomyopathy. Last evaluated: 2019-03-07. Review status: criteria provided, single submitter. Criteria: ACMG Guidelines, 2015. Collection method: clinical testing. Allele origin: germline.

ARUP Laboratories, Molecular Genetics and Genomics, ARUP Laboratories
Classification: Uncertain significance. Last evaluated: 2018-09-20. Review status: criteria provided, single submitter. Criteria: ARUP Molecular Germline Variant Investigation Process. Collection method: clinical testing. Allele origin: germline.
Comment: The RYR2 c.1022G>C; p.Gly341Ala variant (rs565413020) is reported in a large cohort of individuals referred for unspecified genetic testing, but it has not been described in association with disease (Landstrom 2017). This variant is reported in ClinVar (Variation ID: 412819) and is found in the Latino population with an overall allele frequency of 0.29% (101/34406 alleles) in the Genome Aggregation Database. The glycine at codon 341 is highly conserved, but it occurs as an alanine in several vertebrate species, and computational analyses (SIFT: tolerated, PolyPhen-2: damaging) predict conflicting effects of this variant on protein structure/function. Due to limited information, the clinical significance of the p.Gly341Ala variant is uncertain at this time. References: Landstrom AP et al. Interpreting Incidentally Identified Variants in Genes Associated With Catecholaminergic Polymorphic Ventricular Tachycardia in a Large Cohort of Clinical Whole-Exome Genetic Test Referrals. Circ Arrhythm Electrophysiol. 2017 Apr;10(4).

Ambry Genetics
Classification: Likely benign for Cardiovascular phenotype. Last evaluated: 2018-04-12. Review status: criteria provided, single submitter. Criteria: Ambry Variant Classification Scheme 2023. Collection method: clinical testing. Allele origin: germline.

Literature cited by the submitters: PubMed 28404607 (cited by Women's Health and Genetics/Laboratory Corporation of America, LabCorp).

NM_001035.3(RYR2):c.1022G>C (p.Gly341Ala)

Gene: RYR2 (ryanodine receptor 2; plus strand). Cytogenetic location: 1q43.
Variant type: single nucleotide variant.
Coding change: c.1022G>C on transcript NM_001035.3 (MANE Select); coding-DNA position 1022, G replaced by C.
Protein change: p.Gly341Ala; replaces glycine 341 with alanine.
Molecular consequence: missense variant.
Genome position (GRCh38, 1-based): chr1:237,441,335, G>C. VCF-style: chr1-237441335-G-C. GRCh37 (hg19) VCF-style: chr1-237604635-G-C.
Other names: c.1022G>C, p.Gly341Ala (LRG_402t1); short protein forms G341A.
Identifiers: ClinVar variation 412819 (VCV000412819.31), dbSNP rs565413020, ClinGen allele CA063289.